The following is an entry in ClinVar:

ClinVar aggregate classification (germline): Likely pathogenic (1 of 4 stars; one submission).

Submission:

GeneDx
Classification: Likely pathogenic. Last evaluated: 2018-07-18. Review status: criteria provided, single submitter. Criteria: GeneDx Variant Classification (06012015). Collection method: clinical testing. Allele origin: germline. Affected: yes.
Comment: The c.2486delG variant in the AHDC1 gene has not been reported previously as a pathogenic variant nor as a benign variant, to our knowledge. The c.2486delG variant causes a frameshift starting with codon Serine 829, changes this amino acid to a Threonine residue, and creates a premature Stop codon at position 103 of the new reading frame, denoted p.Ser829ThrfsX103. This variant is predicted to cause loss of normal protein function through protein truncation as the last 775 amino acids are replaced with 102 incorrect amino acids. The c.2486delG variant is not observed in large population cohorts (Lek et al., 2016). We interpret c.2486delG as a likely pathogenic variant.

NM_001371928.1(AHDC1):c.2486del (p.Ser829fs)

Gene: AHDC1 (AT-hook DNA binding motif containing 1; minus strand). Cytogenetic location: 1p36.11.
Variant type: Deletion.
Coding change: c.2486del on transcript NM_001371928.1 (MANE Select); coding-DNA position 2486, one base deleted (G; older notation c.2486delG).
Protein change: p.Ser829fs; shifts the reading frame from serine 829.
Molecular consequence: frameshift variant.
Genome position (GRCh38, 1-based): chr1:27,549,630, C deleted on the plus strand (G on the coding strand, the reverse complement: AHDC1 is on the minus strand). VCF-style (leftmost placement, unchanged base first): chr1-27549629-GC-G. GRCh37 (hg19) VCF-style: chr1-27876140-GC-G.
Other names: c.2486del, p.Ser829fs (NM_001029882.3); short protein forms S829fs.
Identifiers: ClinVar variation 817725 (VCV000817725.1), dbSNP rs1571234939, ClinGen allele CA915941188.